The following is an entry in ClinVar:

ClinVar aggregate classification (germline): Likely pathogenic (1 of 4 stars; one submission).

Conditions:
CASR-related disorder. Also called: CASR-related condition.

Submission:

PreventionGenetics, part of Exact Sciences
Classification: Likely pathogenic for CASR-related condition. Last evaluated: 2022-12-12. Review status: criteria provided, single submitter. Criteria: ACMG Guidelines, 2015. Collection method: clinical testing. Allele origin: germline.
Comment: The CASR c.398A>T variant is predicted to result in the amino acid substitution p.Glu133Val. This variant has been reported in 3 family members with hypoparathyroidism and hypocalcemia (García-Castaño et al 2019. PubMed ID: 30407919). This variant has been observed to segregate in an additional family with CASR-related disorders (internal data; Tan et al. 2022. PubMed: 35870823). This variant has not been reported in a large population database, indicating this variant is rare. In summary, the c.398A>T variant is interpreted as likely pathogenic.

NM_000388.4(CASR):c.398A>T (p.Glu133Val)

Gene: CASR (calcium sensing receptor; plus strand). Cytogenetic location: 3q21.1.
Variant type: single nucleotide variant.
Coding change: c.398A>T on transcript NM_000388.4 (MANE Select); coding-DNA position 398, A replaced by T.
Protein change: p.Glu133Val; replaces glutamic acid 133 with valine.
Molecular consequence: missense variant.
Genome position (GRCh38, 1-based): chr3:122,257,293, A>T. VCF-style: chr3-122257293-A-T. GRCh37 (hg19) VCF-style: chr3-121976140-A-T.
Other names: c.398A>T, p.Glu133Val (NM_001178065.2); short protein forms E133V.
Identifiers: ClinVar variation 2634593 (VCV002634593.1), dbSNP rs2473214934, ClinGen allele CA354362819.